The following is an entry in ClinVar:

ClinVar aggregate classification (germline): Uncertain significance. Review status: criteria provided, multiple submitters, no conflicts (2 of 4 stars). 2 submissions from 2 submitters: Uncertain significance (2). Last evaluated 2026-07-07.

Conditions:
Gorlin syndrome. Also called: Nevoid Basal Cell Carcinoma Syndrome; Basal cell nevus syndrome. Identifiers: Orphanet 377, MedGen C0004779, MONDO:0007187.
Medulloblastoma (MDB). Also called: MEDULLOBLASTOMA PREDISPOSITION SYNDROME; Medulloblastoma, somatic. Identifiers: Orphanet 616, MedGen C0025149, MeSH D008527, MONDO:0007959, OMIM 155255, HP:0002885.
Hereditary cancer-predisposing syndrome. Also called: Tumor predisposition; Hereditary Cancer Syndrome; Hereditary neoplastic syndrome; Neoplastic Syndromes, Hereditary. Identifiers: Orphanet 140162, MedGen C0027672, MeSH D009386, MONDO:0015356.

Allele frequency attached by ClinVar (database versions not stated): gnomAD exomes below 0.00001.
gnomAD v4.1: 1 of 1,547,238 alleles (0.000065%); highest among the groups gnomAD compares: South Asian, 0.0012%; no homozygotes.

Submissions (2):

Ambry Genetics
Classification: Uncertain significance for Hereditary cancer-predisposing syndrome. Last evaluated: 2026-07-07. Review status: criteria provided, single submitter. Criteria: Ambry Variant Classification Scheme 2023. Collection method: clinical testing. Allele origin: germline.
Comment: The p.P10S variant (also known as c.28C>T), located in coding exon 1 of the SUFU gene, results from a C to T substitution at nucleotide position 28. The proline at codon 10 is replaced by serine, an amino acid with similar properties. This amino acid position is conserved. In addition, this alteration is predicted to be tolerated by in silico analysis. Based on the available evidence, the clinical significance of this variant remains unclear.

Labcorp Genetics (formerly Invitae), Labcorp
Classification: Uncertain significance for Gorlin syndrome; Medulloblastoma. Last evaluated: 2021-07-14. Review status: criteria provided, single submitter. Criteria: Invitae Variant Classification Sherloc (09022015). Collection method: clinical testing. Allele origin: germline.
Comment: This variant has not been reported in the literature in individuals with SUFU-related conditions. Algorithms developed to predict the effect of missense changes on protein structure and function are either unavailable or do not agree on the potential impact of this missense change (SIFT: "Tolerated"; PolyPhen-2: "Possibly Damaging"; Align-GVGD: "Class C0"). In summary, the available evidence is currently insufficient to determine the role of this variant in disease. Therefore, it has been classified as a Variant of Uncertain Significance. The frequency data for this variant in the population databases is considered unreliable, as metrics indicate insufficient coverage at this position in the ExAC database. This sequence change replaces proline with serine at codon 10 of the SUFU protein (p.Pro10Ser). The proline residue is moderately conserved and there is a moderate physicochemical difference between proline and serine.

NM_016169.4(SUFU):c.28C>T (p.Pro10Ser)

Genes: SUFU (SUFU negative regulator of hedgehog signaling; plus strand), LOC130004614 (ATAC-STARR-seq lymphoblastoid silent region 2764; plus strand). Cytogenetic location: 10q24.32.
Variant type: single nucleotide variant.
Coding change: c.28C>T on transcript NM_016169.4 (MANE Select); coding-DNA position 28, C replaced by T.
Protein change: p.Pro10Ser; replaces proline 10 with serine.
Molecular consequence: missense variant.
Genome position (GRCh38, 1-based): chr10:102,504,180, C>T. VCF-style: chr10-102504180-C-T. GRCh37 (hg19) VCF-style: chr10-104263937-C-T.
Other names: c.28C>T, p.Pro10Ser (NM_001178133.2); c.28C>T (NM_016169.3); short protein forms P10S.
Identifiers: ClinVar variation 1055361 (VCV001055361.10), dbSNP rs975936230, ClinGen allele CA212238074.